The following is an entry in ClinVar:

NM_006947.4(SRP72):c.461TTG[1] (p.Val155del)

Gene: SRP72 (signal recognition particle 72; plus strand). Cytogenetic location: 4q12.
Variant type: Microsatellite.
Coding change: c.461TTG[1] on transcript NM_006947.4 (MANE Select); one copy of the 3-base unit TTG starting at c.461; the reference has two copies in a row; one copy, 3 bases deleted.
Protein change: p.Val155del; deletes valine 155.
Molecular consequence: inframe deletion. On other transcripts: non-coding transcript variant (1).
Genome position (GRCh38, 1-based): chr4:56,474,163-56,474,165, TTG deleted; deleting any 3 consecutive bases within chr4:56,474,159-56,474,165 gives the same sequence; the position shown is the placement nearest the transcript's 3' end. VCF-style (leftmost placement, unchanged base first): chr4-56474158-AGTT-A. GRCh37 (hg19) VCF-style: chr4-57340324-AGTT-A.
Other names: c.461TTG[1], p.Val155del (NM_001267722.2); short protein forms V155del.
Identifiers: ClinVar variation 4721495 (VCV004721495.1).
Genomic context (GRCh38, chr4:56,474,158, plus strand): 5'-AGATCTCGTCCGAAACTCCCAAGATGATTATGATGAGGAGAGGAAAACAAACCTTTCAGC[AGTT>A]GTTGCAGCTCAAAGCAATTGGGAAAAAGTGGTTCCAGTGAGTATCCTTGTGGTGTACCCA-3'

ClinVar aggregate classification (germline): Uncertain significance (1 of 4 stars; one submission).

Submission:

Labcorp Genetics (formerly Invitae), Labcorp
Classification: Uncertain significance. Last evaluated: 2025-06-15. Review status: criteria provided, single submitter. Criteria: Invitae Variant Classification Sherloc (09022015). Collection method: clinical testing. Allele origin: germline.
Comment: This variant, c.464_466del, results in the deletion of 1 amino acid(s) of the SRP72 protein (p.Val155del), but otherwise preserves the integrity of the reading frame. This variant is not present in population databases (gnomAD no frequency). This variant has not been reported in the literature in individuals affected with SRP72-related conditions. Experimental studies and prediction algorithms are not available or were not evaluated, and the functional significance of this variant is currently unknown. In summary, the available evidence is currently insufficient to determine the role of this variant in disease. Therefore, it has been classified as a Variant of Uncertain Significance.